The following is an entry in ClinVar:

NM_001940.4(ATN1):c.3101T>C (p.Leu1034Pro)

Gene: ATN1 (atrophin 1; plus strand). Cytogenetic location: 12p13.31.
Variant type: single nucleotide variant.
Coding change: c.3101T>C on transcript NM_001940.4 (MANE Select); coding-DNA position 3101, T replaced by C.
Protein change: p.Leu1034Pro; replaces leucine 1034 with proline.
Molecular consequence: missense variant.
Genome position (GRCh38, 1-based): chr12:6,939,064, T>C. VCF-style: chr12-6939064-T-C. GRCh37 (hg19) VCF-style: chr12-7048227-T-C.
Other names: c.3101T>C, p.Leu1034Pro (NM_001007026.2, NM_001424176.1, NM_001424177.1 and 1 more transcripts); c.3098T>C, p.Leu1033Pro (NM_001424179.1, NM_001424180.1); short protein forms L1033P, L1034P.
Identifiers: ClinVar variation 4293978 (VCV004293978.1).

ClinVar aggregate classification (germline): Uncertain significance (1 of 4 stars; one submission).

Conditions:
Congenital hypotonia, epilepsy, developmental delay, and digital anomalies (CHEDDA). Also called: ATN1-Related Neurodevelopmental Disorder. Identifiers: MedGen C5193125, MONDO:0032781, OMIM 618494.

Submission:

3billion
Classification: Uncertain significance for Congenital hypotonia, epilepsy, developmental delay, and digital anomalies. Last evaluated: 2024-12-24. Review status: criteria provided, single submitter. Criteria: ACMG Guidelines, 2015. Collection method: clinical testing. Allele origin: germline. Affected: yes.
Comment: The variant is not observed in the gnomAD v4.1.0 dataset. Predicted Consequence/Location: Missense variant. Missense changes are a common disease-causing mechanism. Damaging effect on gene or gene product predicted by in silico programs is uncertain [REVEL: 0.53 (damaging >=0.6, benign <0.4), 3Cnet: 0.03 (damaging >=0.6, benign <0.15)]. Therefore, this variant is classified as VUS according to the recommendation of ACMG/AMP guideline.